The following is an entry in ClinVar:

ClinVar aggregate classification (germline): Uncertain significance. Review status: criteria provided, single submitter (1 of 4 stars). 2 submissions from 2 submitters: Uncertain significance (1). 1 of the submissions does not count toward it. Last evaluated 2022-06-18.

Conditions:
Glycine encephalopathy. Also called: Non-ketotic hyperglycinemia; Nonketotic hyperglycinemia. Identifiers: Orphanet 407, MedGen C0751748, MONDO:0011612, HP:0008288.

Allele frequency attached by ClinVar (database versions not stated): gnomAD 0.00001; 1000 Genomes Project 0.00020; 1000 Genomes Project 30x 0.00031.
gnomAD v4.1: 4 of 1,506,264 alleles (0.00027%); highest among the groups gnomAD compares: Non-Finnish European, 0.00035%; no homozygotes.

Submissions (2):

Labcorp Genetics (formerly Invitae), Labcorp
Classification: Uncertain significance for Glycine encephalopathy. Last evaluated: 2022-06-18. Review status: criteria provided, single submitter. Criteria: Invitae Variant Classification Sherloc (09022015). Collection method: clinical testing. Allele origin: germline.
Comment: This sequence change replaces aspartic acid, which is acidic and polar, with histidine, which is basic and polar, at codon 36 of the GLDC protein (p.Asp36His). This variant is not present in population databases (gnomAD no frequency). This variant has not been reported in the literature in individuals affected with GLDC-related conditions. ClinVar contains an entry for this variant (Variation ID: 567544). Advanced modeling of protein sequence and biophysical properties (such as structural, functional, and spatial information, amino acid conservation, physicochemical variation, residue mobility, and thermodynamic stability) performed at Invitae indicates that this missense variant is not expected to disrupt GLDC protein function. In summary, the available evidence is currently insufficient to determine the role of this variant in disease. Therefore, it has been classified as a Variant of Uncertain Significance.

Natera, Inc.
Classification: Uncertain significance for Non-ketotic hyperglycinemia. Last evaluated: 2020-11-17. Review status: no assertion criteria provided. Collection method: clinical testing. Allele origin: germline. Not counted in ClinVar's aggregate classification.

NM_000170.3(GLDC):c.106G>C (p.Asp36His)

Gene: GLDC (glycine decarboxylase; minus strand). Cytogenetic location: 9p24.1.
Variant type: single nucleotide variant.
Coding change: c.106G>C on transcript NM_000170.3 (MANE Select); coding-DNA position 106, G replaced by C.
Protein change: p.Asp36His; replaces aspartic acid 36 with histidine.
Molecular consequence: missense variant.
Genome position (GRCh38, 1-based): chr9:6,645,394, C>G on the plus strand (G>C on the coding strand, the complement: GLDC is on the minus strand). VCF-style: chr9-6645394-C-G. GRCh37 (hg19) VCF-style: chr9-6645394-C-G.
Other names: short protein forms D36H.
Identifiers: ClinVar variation 567544 (VCV000567544.9), dbSNP rs573883784, ClinGen allele CA188663118.